The following is an entry in ClinVar:

NM_001379081.2(FREM1):c.3093C>T (p.Pro1031=)

Gene: FREM1 (FRAS1 related extracellular matrix 1; minus strand). Cytogenetic location: 9p22.3.
Variant type: single nucleotide variant.
Coding change: c.3093C>T on transcript NM_001379081.2 (MANE Select); coding-DNA position 3093, C replaced by T.
Protein change: p.Pro1031=; no amino-acid change (proline 1031 retained).
Molecular consequence: synonymous variant. On other transcripts: non-coding transcript variant (2).
Genome position (GRCh38, 1-based): chr9:14,806,842, G>A on the plus strand (C>T on the coding strand, the complement: FREM1 is on the minus strand). VCF-style: chr9-14806842-G-A. GRCh37 (hg19) VCF-style: chr9-14806840-G-A.
Other names: c.3093C>T, p.Pro1031= (NM_144966.7); c.3093C>T (NM_144966.5).
Identifiers: ClinVar variation 2894736 (VCV002894736.5), dbSNP rs763676738, ClinGen allele CA4990682.

ClinVar aggregate classification (germline): Likely benign. Review status: criteria provided, single submitter (1 of 4 stars). 2 submissions from 2 submitters: Likely benign (1). 1 of the submissions does not count toward it. Last evaluated 2023-07-26.

Conditions:
FREM1-related disorder. Also called: FREM1-Related Disorders; FREM1-related condition.

Allele frequency attached by ClinVar (database versions not stated): TOPMed below 0.00001; gnomAD exomes 0.00001; gnomAD 0.00004.
gnomAD v4.1: 27 of 1,591,022 alleles (0.0017%); highest among the groups gnomAD compares: East Asian, 0.018%; no homozygotes.

Submissions (2):

Labcorp Genetics (formerly Invitae), Labcorp
Classification: Likely benign. Last evaluated: 2023-07-26. Review status: criteria provided, single submitter. Criteria: Invitae Variant Classification Sherloc (09022015). Collection method: clinical testing. Allele origin: germline.

PreventionGenetics, part of Exact Sciences
Classification: Likely benign for FREM1-related condition. Last evaluated: 2021-12-17. Review status: no assertion criteria provided. Collection method: clinical testing. Allele origin: germline. Not counted in ClinVar's aggregate classification.
Comment: This variant is classified as likely benign based on ACMG/AMP sequence variant interpretation guidelines (Richards et al. 2015 PMID: 25741868, with internal and published modifications).